The following is an entry in ClinVar:

ClinVar aggregate classification (germline): Likely benign (1 of 4 stars; one submission).

Conditions:
HSD3B7-related disorder. Also called: HSD3B7-related condition.

gnomAD v4.1: 45 of 1,606,156 alleles (0.0028%); highest among the groups gnomAD compares: East Asian, 0.085%; no homozygotes.

Submission:

PreventionGenetics, part of Exact Sciences
Classification: Likely benign for HSD3B7-related condition. Last evaluated: 2025-11-11. Review status: criteria provided, single submitter. Criteria: ACMG Guidelines, 2015. Collection method: clinical testing. Allele origin: germline.
Comment: This variant is classified as likely benign based on ACMG/AMP sequence variant interpretation guidelines (Richards et al. 2015 PMID: 25741868, with internal and published modifications).

NM_025193.4(HSD3B7):c.996C>T (p.Thr332=)

Gene: HSD3B7 (hydroxy-delta-5-steroid dehydrogenase, 3 beta- and steroid delta-isomerase 7; plus strand). Cytogenetic location: 16p11.2.
Variant type: single nucleotide variant.
Coding change: c.996C>T on transcript NM_025193.4 (MANE Select); coding-DNA position 996, C replaced by T.
Protein change: p.Thr332=; no amino-acid change (threonine 332 retained).
Molecular consequence: synonymous variant. On other transcripts: 3 prime UTR variant (2).
Genome position (GRCh38, 1-based): chr16:30,988,069, C>T. VCF-style: chr16-30988069-C-T. GRCh37 (hg19) VCF-style: chr16-30999390-C-T.
Other names: c.*242C>T (NM_001142777.2, NM_001142778.2).
Identifiers: ClinVar variation 4986856 (VCV004986856.1).